The following is an entry in ClinVar:

NM_032383.5(HPS3):c.2739_2742del (p.Glu913fs)

Genes: CP (ceruloplasmin; minus strand), HPS3 (HPS3 biogenesis of lysosomal organelles complex 2 subunit 1; plus strand). Cytogenetic location: 3q24.
Variant type: Microsatellite.
Coding change: c.2739_2742del on transcript NM_032383.5 (MANE Select); coding-DNA positions 2739 to 2742, 4 bases deleted (GAGA; older notation c.2739_2742delGAGA).
Protein change: p.Glu913fs; shifts the reading frame from glutamic acid 913.
Molecular consequence: frameshift variant.
Genome position (GRCh38, 1-based): chr3:149,167,183-149,167,186, GAGA deleted; deleting any 4 consecutive bases within chr3:149,167,180-149,167,186 gives the same sequence; the c. name uses the placement nearest the transcript's 3' end. VCF-style (leftmost placement, unchanged base first): chr3-149167179-TAGAG-T. GRCh37 (hg19) VCF-style: chr3-148884966-TAGAG-T.
Other names: c.2244_2247del, p.Glu748fs (NM_001308258.2); c.2739_2742delGAGA (NM_032383.4); short protein forms E913fs, E748fs.
Identifiers: ClinVar variation 548481 (VCV000548481.19), dbSNP rs1277509410, ClinGen allele CA547365920.
Genomic context (GRCh38, chr3:149,167,179, plus strand): 5'-GTGTCCATGTTCTGTGTCGTACACGCTTGAAAGAGTATGAACAGTGCATAGACATACTGT[TAGAG>T]AGATGCCCGGAGGCAGTCATTCCATATGCTAATCATGAACTGAAAGAAGAGAACCGGGTA-3'

ClinVar aggregate classification (germline): Pathogenic/Likely pathogenic. Review status: criteria provided, multiple submitters, no conflicts (2 of 4 stars). 8 submissions from 8 submitters: Pathogenic (4); Likely pathogenic (4). Last evaluated 2025-09-08.

Conditions:
HPS3-related disorder. Also called: HPS3-related condition.
Hermansky-Pudlak syndrome 3 (HPS3). Identifiers: Orphanet 231512, Orphanet 79430, MedGen C3888001, MONDO:0013555, OMIM 614072.
Hermansky-Pudlak syndrome (HPS). Also called: ALBINISM WITH HEMORRHAGIC DIATHESIS AND PIGMENTED RETICULOENDOTHELIAL CELLS. Identifiers: Orphanet 79430, MedGen C0079504, MONDO:0019312.

Submissions (8):

Natera, Inc.
Classification: Pathogenic for Hermansky-Pudlak syndrome. Last evaluated: 2025-09-08. Review status: criteria provided, single submitter. Criteria: Natera Variant Classification Schema (03/2026). Collection method: clinical testing. Allele origin: germline.
Comment: The c.2739_2742delGAGA variant in HPS3 is a frameshift variant predicted to shift the reading frame beginning at codon 913 and leads to a stop codon 14 codons downstream. This variant is expected to result in nonsense mediated decay, truncation, or a dysfunctional protein product. This variant is rare in the general population with a frequency below the threshold expected for the associated phenotype(s). This variant has been observed in one or more individuals affected with the associated recessive disease, as either homozygous or compound heterozygous with a second variant (PMID: 31898847). Given the available evidence, this variant is classified as Pathogenic.

GeneDx
Classification: Likely pathogenic. Last evaluated: 2025-05-25. Review status: criteria provided, single submitter. Criteria: GeneDx Variant Classification Process June 2021. Collection method: clinical testing. Allele origin: germline. Affected: yes.
Comment: Observed with a second HPS3 variant in a patient with Hermansky-Pudlak syndrome in published literature (PMID: 31898847); Not observed at significant frequency in large population cohorts (gnomAD); Frameshift variant predicted to result in protein truncation or nonsense mediated decay in a gene for which loss of function is a known mechanism of disease; This variant is associated with the following publications: (PMID: 34426522, 31898847)

PreventionGenetics, part of Exact Sciences
Classification: Pathogenic for HPS3-related condition. Last evaluated: 2024-12-26. Review status: criteria provided, single submitter. Criteria: ACMG Guidelines, 2015. Collection method: clinical testing. Allele origin: germline.
Comment: The HPS3 c.2739_2742delGAGA variant is predicted to result in a frameshift and premature protein termination (p.Glu913Aspfs*14). This variant has been observed in the compound heterozygous state in an individual affected with Hermansky-Pudlak syndrome (Huizing et al. 2020. PubMed ID: 31898847). This variant is reported in 0.0065% of alleles in individuals of European (Non-Finnish) descent in gnomAD. Frameshift variants in HPS3 are expected to be pathogenic. This variant is interpreted as pathogenic.

Labcorp Genetics (formerly Invitae), Labcorp
Classification: Pathogenic. Last evaluated: 2024-05-06. Review status: criteria provided, single submitter. Criteria: Invitae Variant Classification Sherloc (09022015). Collection method: clinical testing. Allele origin: germline.
Comment: This sequence change creates a premature translational stop signal (p.Glu913Aspfs*14) in the HPS3 gene. It is expected to result in an absent or disrupted protein product. Loss-of-function variants in HPS3 are known to be pathogenic (PMID: 11590544). This variant is present in population databases (no rsID available, gnomAD 0.007%). This premature translational stop signal has been observed in individual(s) with Hermansky–Pudlak syndrome type 3 (PMID: 31898847). For these reasons, this variant has been classified as Pathogenic.

Baylor Genetics
Classification: Likely pathogenic for Hermansky-Pudlak syndrome 3. Last evaluated: 2024-03-03. Review status: criteria provided, single submitter. Criteria: ACMG Guidelines, 2015. Collection method: clinical testing. Allele origin: unknown.

Revvity Omics, Revvity
Classification: Likely pathogenic for Hermansky-Pudlak syndrome 3. Last evaluated: 2022-09-25. Review status: criteria provided, single submitter. Criteria: ACMG Guidelines, 2015. Collection method: clinical testing. Allele origin: germline.

Fulgent Genetics
Classification: Pathogenic for Hermansky-Pudlak syndrome 3. Last evaluated: 2022-02-16. Review status: criteria provided, single submitter. Criteria: ACMG Guidelines, 2015. Collection method: clinical testing. Allele origin: unknown.

Genomic Research Center, Shahid Beheshti University of Medical Sciences
Classification: Likely pathogenic for Hermansky-Pudlak syndrome 3. Last evaluated: 2018-03-05. Review status: criteria provided, single submitter. Criteria: ACMG Guidelines, 2015. Collection method: clinical testing. Allele origin: inherited. Affected: yes. Observed: 1 variant allele.

Literature cited by the submitters: PubMed 31898847 (cited by Natera, Inc. and Labcorp Genetics (formerly Invitae), Labcorp); PubMed 11590544 (cited by Labcorp Genetics (formerly Invitae), Labcorp).